The following is an entry in ClinVar:

NM_000127.3(EXT1):c.1805_1806del (p.Asn601_Ser602insTer)

Gene: EXT1 (exostosin glycosyltransferase 1; minus strand). Cytogenetic location: 8q24.11.
Variant type: Microsatellite.
Coding change: c.1805_1806del on transcript NM_000127.3 (MANE Select); coding-DNA positions 1805 to 1806, 2 bases deleted (CT; older notation c.1805_1806delCT).
Protein change: p.Asn601_Ser602insTer.
Molecular consequence: nonsense.
Genome position (GRCh38, 1-based): chr8:117,807,294-117,807,295, AG deleted on the plus strand (CT on the coding strand, the reverse complement: EXT1 is on the minus strand); deleting any 2 consecutive bases within chr8:117,807,294-117,807,297 gives the same sequence; the c. name uses the placement nearest the transcript's 3' end. VCF-style (leftmost placement, unchanged base first): chr8-117807293-TAG-T. GRCh37 (hg19) VCF-style: chr8-118819532-TAG-T.
Identifiers: ClinVar variation 2044888 (VCV002044888.4), dbSNP rs2488089253, ClinGen allele CA2580617224.

ClinVar aggregate classification (germline): Pathogenic (1 of 4 stars; one submission).

Conditions:
Multiple congenital exostosis (EXT). Also called: MULTIPLE CARTILAGINOUS EXOSTOSES; Hereditary multiple exostoses; Hereditary multiple exostosis; Multiple exostoses; Multiple osteochondromas; Hereditary multiple osteochondromas. Identifiers: Orphanet 321, MedGen C0015306, MONDO:0005508, HP:0002762.

Submission:

Labcorp Genetics (formerly Invitae), Labcorp
Classification: Pathogenic for Multiple congenital exostosis. Last evaluated: 2022-01-17. Review status: criteria provided, single submitter. Criteria: Invitae Variant Classification Sherloc (09022015). Collection method: clinical testing. Allele origin: germline.
Comment: For these reasons, this variant has been classified as Pathogenic. This variant has not been reported in the literature in individuals affected with EXT1-related conditions. This variant is not present in population databases (gnomAD no frequency). This sequence change creates a premature translational stop signal (p.Ser602*) in the EXT1 gene. It is expected to result in an absent or disrupted protein product. Loss-of-function variants in EXT1 are known to be pathogenic (PMID: 10679937, 11391482, 19810120).

Literature cited by the submitters: PubMed 10679937; PubMed 11391482; PubMed 19810120.